The following is an entry in ClinVar:

NM_000185.4(SERPIND1):c.445G>A (p.Asp149Asn)

Genes: PI4KA (phosphatidylinositol 4-kinase alpha; minus strand), SERPIND1 (serpin family D member 1; plus strand). Cytogenetic location: 22q11.21.
Variant type: single nucleotide variant.
Coding change: c.445G>A on transcript NM_000185.4 (MANE Select); coding-DNA position 445, G replaced by A.
Protein change: p.Asp149Asn; replaces aspartic acid 149 with asparagine.
Molecular consequence: missense variant. On other transcripts: intron variant (3).
Genome position (GRCh38, 1-based): chr22:20,779,757, G>A. VCF-style: chr22-20779757-G-A. GRCh37 (hg19) VCF-style: chr22-21134045-G-A.
Other names: c.2262+13436C>T (NM_001362863.2); c.2328+13436C>T (NM_001362862.2, NM_058004.4); short protein forms D149N.
Identifiers: ClinVar variation 3389136 (VCV003389136.14).

ClinVar aggregate classification (germline): Likely benign (1 of 4 stars; one submission).

gnomAD v4.1: 52 of 1,614,180 alleles (0.0032%); highest among the groups gnomAD compares: Middle Eastern, 0.016%; no homozygotes.

Submission:

CeGaT Center for Human Genetics Tuebingen
Classification: Likely benign. Last evaluated: 2024-11-01. Review status: criteria provided, single submitter. Criteria: CeGaT Center For Human Genetics Tuebingen Variant Classification Criteria Version 2. Collection method: clinical testing. Allele origin: germline. Affected: yes. Observed: 1 variant allele.
Comment: SERPIND1: BP4